The following is an entry in ClinVar:

NM_002900.3(RBP3):c.2833G>A (p.Gly945Arg)

Gene: RBP3 (retinol binding protein 3; plus strand). Cytogenetic location: 10q11.22.
Variant type: single nucleotide variant.
Coding change: c.2833G>A on transcript NM_002900.3 (MANE Select); coding-DNA position 2833, G replaced by A.
Protein change: p.Gly945Arg; replaces glycine 945 with arginine.
Molecular consequence: missense variant.
Genome position (GRCh38, 1-based): chr10:47,351,317, G>A. VCF-style: chr10-47351317-G-A. GRCh37 (hg19) VCF-style: chr10-48388045-C-T.
Other names: short protein forms G945R.
Identifiers: ClinVar variation 1406520 (VCV001406520.7), dbSNP rs782311896, ClinGen allele CA5487192.
Genomic context (GRCh38, chr10:47,351,317, plus strand): 5'-TCCATAGCCCAGGACATAGTGGCTCTGCGTGCCAAGGTGCCCACGGTGCTGCAGACGGCC[G>A]GGAAGCTGGTGGCTGATAACTATGCCTCTGCCGAGCTGGGGGCCAAGATGGCCACCAAAC-3'
Protein context (NP_002891.1, residues 935-955): AKVPTVLQTA[Gly945Arg]KLVADNYASA

ClinVar aggregate classification (germline): Uncertain significance. Review status: criteria provided, multiple submitters, no conflicts (2 of 4 stars). 2 submissions from 2 submitters: Uncertain significance (2). Last evaluated 2024-09-03.

Allele frequency attached by ClinVar (database versions not stated): gnomAD 0.00001; gnomAD exomes 0.00001 and 0.00005; ExAC 0.00002; TOPMed 0.00003.
gnomAD v4.1: 68 of 1,613,380 alleles (0.0042%); highest among the groups gnomAD compares: Non-Finnish European, 0.0053%; no homozygotes.

Submissions (2):

Blueprint Genetics
Classification: Uncertain significance. Last evaluated: 2024-09-03. Review status: criteria provided, single submitter. Criteria: ACMG Guidelines, 2015. Collection method: clinical testing. Allele origin: germline.

Labcorp Genetics (formerly Invitae), Labcorp
Classification: Uncertain significance. Last evaluated: 2021-10-14. Review status: criteria provided, single submitter. Criteria: Invitae Variant Classification Sherloc (09022015). Collection method: clinical testing. Allele origin: germline.
Comment: In summary, the available evidence is currently insufficient to determine the role of this variant in disease. Therefore, it has been classified as a Variant of Uncertain Significance. Algorithms developed to predict the effect of missense changes on protein structure and function (SIFT, PolyPhen-2, Align-GVGD) all suggest that this variant is likely to be disruptive, but these predictions have not been confirmed by published functional studies and their clinical significance is uncertain. This variant has not been reported in the literature in individuals with RBP3-related conditions. This variant is present in population databases (rs782311896, ExAC 0.009%). This sequence change replaces glycine with arginine at codon 945 of the RBP3 protein (p.Gly945Arg). The glycine residue is highly conserved and there is a moderate physicochemical difference between glycine and arginine.